The following is an entry in ClinVar:

NM_005051.3(QARS1):c.1957-19C>G

Gene: QARS1 (glutaminyl-tRNA synthetase 1; minus strand). Cytogenetic location: 3p21.31.
Variant type: single nucleotide variant.
Coding change: c.1957-19C>G on transcript NM_005051.3 (MANE Select); 19 bases into the intron before coding-DNA position 1957, C replaced by G.
Molecular consequence: intron variant.
Genome position (GRCh38, 1-based): chr3:49,098,499, G>C on the plus strand (C>G on the coding strand, the complement: QARS1 is on the minus strand). VCF-style: chr3-49098499-G-C. GRCh37 (hg19) VCF-style: chr3-49135932-G-C.
Other names: c.1924-19C>G (NM_001272073.2).
Identifiers: ClinVar variation 383458 (VCV000383458.9), dbSNP rs112579679, ClinGen allele CA2391571.

ClinVar aggregate classification (germline): Benign. Review status: criteria provided, multiple submitters, no conflicts (2 of 4 stars). 3 submissions from 3 submitters: Benign (3). Last evaluated 2026-02-03.

Conditions:
Diffuse cerebral and cerebellar atrophy - intractable seizures - progressive microcephaly syndrome. Also called: Microcephaly, progressive, with seizures and cerebral and cerebellar atrophy. Identifiers: Orphanet 404437, MedGen C4014239, MONDO:0014335, OMIM 615760.

Allele frequency attached by ClinVar (database versions not stated): TOPMed 0.00904; gnomAD exomes 0.00187; ExAC 0.00232; gnomAD 0.00773 and 0.00826; 1000 Genomes Project 0.00859; ESP Exome Variant Server 0.00884.
gnomAD v4.1: 2,384 of 1,614,028 alleles (0.15%); highest among the groups gnomAD compares: African/African-American, 2.7%; 28 homozygotes.

Submissions (3):

Labcorp Genetics (formerly Invitae), Labcorp
Classification: Benign for Diffuse cerebral and cerebellar atrophy - intractable seizures - progressive microcephaly syndrome. Last evaluated: 2026-02-03. Review status: criteria provided, single submitter. Criteria: Invitae Variant Classification Sherloc (09022015). Collection method: clinical testing. Allele origin: germline.

GeneDx
Classification: Benign. Last evaluated: 2017-10-12. Review status: criteria provided, single submitter. Criteria: GeneDx Variant Classification (06012015). Collection method: clinical testing. Allele origin: germline. Affected: yes.
Comment: This variant is considered likely benign or benign based on one or more of the following criteria: it is a conservative change, it occurs at a poorly conserved position in the protein, it is predicted to be benign by multiple in silico algorithms, and/or has population frequency not consistent with disease.

Breakthrough Genomics
Classification: Benign. Review status: criteria provided, single submitter. Criteria: ACMG Guidelines, 2015. Collection method: not provided. Allele origin: germline. Inheritance: Autosomal recessive inheritance. Affected: yes.